The following is an entry in ClinVar:

NM_002661.5(PLCG2):c.1533G>C (p.Gln511His)

Gene: PLCG2 (phospholipase C gamma 2; plus strand). Cytogenetic location: 16q23.3.
Variant type: single nucleotide variant.
Coding change: c.1533G>C on transcript NM_002661.5 (MANE Select); coding-DNA position 1533, G replaced by C.
Protein change: p.Gln511His; replaces glutamine 511 with histidine.
Molecular consequence: missense variant.
Genome position (GRCh38, 1-based): chr16:81,907,750, G>C. VCF-style: chr16-81907750-G-C. GRCh37 (hg19) VCF-style: chr16-81941355-G-C.
Other names: c.1533G>C (NM_002661.3); short protein forms Q511H.
Identifiers: ClinVar variation 715421 (VCV000715421.14), dbSNP rs151013036, ClinGen allele CA8193813.

ClinVar aggregate classification (germline): Conflicting classifications of pathogenicity. Review status: criteria provided, conflicting classifications (1 of 4 stars). 5 submissions from 5 submitters: Uncertain significance (1); Benign (1); Likely benign (2). 1 of the submissions does not count toward it. Last evaluated 2026-01-27.

Conditions:
Familial cold autoinflammatory syndrome 3 (FCAS3). Also called: FAMILIAL ATYPICAL COLD URTICARIA; ANTIBODY DEFICIENCY AND IMMUNE DYSREGULATION, PLCG2-ASSOCIATED. Identifiers: Orphanet 300359, MedGen C3280914, MONDO:0013766, OMIM 614468.
PLCG2-related disorder. Also called: PLCG2-related condition.
Inborn genetic diseases. Identifiers: MedGen C0950123, MeSH D030342.

Allele frequency attached by ClinVar (database versions not stated): gnomAD exomes 0.00024; ExAC 0.00031; gnomAD 0.00125 and 0.00131; TOPMed 0.00126; ESP Exome Variant Server 0.00155; 1000 Genomes Project 0.00180; 1000 Genomes Project 30x 0.00219.
gnomAD v4.1: 330 of 1,613,708 alleles (0.02%); highest among the groups gnomAD compares: African/African-American, 0.4%; no homozygotes.

Submissions (5):

Labcorp Genetics (formerly Invitae), Labcorp
Classification: Benign for Familial cold autoinflammatory syndrome 3. Last evaluated: 2026-01-27. Review status: criteria provided, single submitter. Criteria: Invitae Variant Classification Sherloc (09022015). Collection method: clinical testing. Allele origin: germline.

Women's Health and Genetics/Laboratory Corporation of America, LabCorp
Classification: Likely benign. Last evaluated: 2026-01-23. Review status: criteria provided, single submitter. Criteria: LabCorp Variant Classification Summary - May 2015. Collection method: clinical testing. Allele origin: germline.

Blueprint Genetics
Classification: Likely benign. Last evaluated: 2024-11-19. Review status: criteria provided, single submitter. Criteria: ACMG Guidelines, 2015. Collection method: clinical testing. Allele origin: germline.

Ambry Genetics
Classification: Uncertain significance for Inborn genetic diseases. Last evaluated: 2024-02-21. Review status: criteria provided, single submitter. Criteria: Ambry Variant Classification Scheme 2023. Collection method: clinical testing. Allele origin: germline.

PreventionGenetics, part of Exact Sciences
Classification: Likely benign for PLCG2-related condition. Last evaluated: 2024-04-22. Review status: no assertion criteria provided. Collection method: clinical testing. Allele origin: germline. Not counted in ClinVar's aggregate classification.
Comment: This variant is classified as likely benign based on ACMG/AMP sequence variant interpretation guidelines (Richards et al. 2015 PMID: 25741868, with internal and published modifications).